The following is an entry in ClinVar:

ClinVar aggregate classification (germline): Uncertain significance (3 of 4 stars; one submission).

Conditions:
Phenylketonuria (PKU). Also called: Phenylketonurias; OLIGOPHRENIA PHENYLPYRUVICA; FOLLING DISEASE; Phenylketonuria (PKU). Identifiers: Orphanet 716, MedGen C0031485, MONDO:0009861, OMIM 261600. Disease mechanism: loss of function.

Submission:

ClinGen PAH Variant Curation Expert Panel
Classification: Uncertain significance for Phenylketonuria. Last evaluated: 2022-07-30. Review status: reviewed by expert panel. Criteria: ClinGen PAH ACMG Specifications v1. Collection method: curation. Allele origin: germline. Inheritance: Autosomal recessive inheritance.
Comment: This variant is absent from 1000G, ESP, ExAC and gnomAD. Multiple lines of computational evidence support a deleterious splicing effect (HSF, MaxENT). In summary, this variant meets criteria to be classified as uncertain significance for PAH. PAH-specific ACMG/AMP criteria applied: PP4_Moderate, PM2, PP3.

Literature cited by the submitters: PubMed 15503242.

NM_000277.3(PAH):c.1066-3C>G

Gene: PAH (phenylalanine hydroxylase; minus strand). Cytogenetic location: 12q23.2.
Variant type: single nucleotide variant.
Coding change: c.1066-3C>G on transcript NM_000277.3 (MANE Select); 3 bases into the intron before coding-DNA position 1066, C replaced by G.
Molecular consequence: intron variant.
Genome position (GRCh38, 1-based): chr12:102,843,782, G>C on the plus strand (C>G on the coding strand, the complement: PAH is on the minus strand). VCF-style: chr12-102843782-G-C. GRCh37 (hg19) VCF-style: chr12-103237560-G-C.
Other names: NM_000277.1:c.1066-3C>G; c.1066-3C>G (NM_001354304.2).
Identifiers: ClinVar variation 1810386 (VCV001810386.1), dbSNP rs62507344, ClinGen allele CA16020928.